The following is an entry in ClinVar:

ClinVar aggregate classification (germline): Benign/Likely benign. Review status: criteria provided, multiple submitters, no conflicts (2 of 4 stars). 5 submissions from 5 submitters: Benign (1); Likely benign (3). 1 of the submissions does not count toward it. Last evaluated 2025-11-17.

Conditions:
ATM-related disorder. Also called: ATM-related disorders; ATM-related condition.
Hereditary cancer-predisposing syndrome. Also called: Tumor predisposition; Neoplastic Syndromes, Hereditary; Hereditary neoplastic syndrome; Hereditary Cancer Syndrome. Identifiers: Orphanet 140162, MedGen C0027672, MeSH D009386, MONDO:0015356.
Familial cancer of breast. Also called: Hereditary breast cancer; hereditary breast carcinoma; BREAST CANCER, FAMILIAL. Identifiers: Orphanet 227535, MedGen C0346153, MONDO:0016419, OMIM 114480. Disease mechanism: loss of function.
Ataxia-telangiectasia syndrome (AT). Also called: Ataxia-telangiectasia, complementation group D; AT, COMPLEMENTATION GROUP C; ATAXIA-TELANGIECTASIA, COMPLEMENTATION GROUP A; ATAXIA-TELANGIECTASIA, FRESNO VARIANT; Ataxia-telangiectasia; Ataxia telangiectasia (A-T). Identifiers: Orphanet 100, MedGen C0004135, MONDO:0008840, OMIM 208900.

Allele frequency attached by ClinVar (database versions not stated): gnomAD exomes below 0.00001; TOPMed below 0.00001.
gnomAD v4.1: 2 of 1,614,160 alleles (0.00012%); highest among the groups gnomAD compares: East Asian, 0.0022%; no homozygotes.

Submissions (5):

Labcorp Genetics (formerly Invitae), Labcorp
Classification: Likely benign for Ataxia-telangiectasia syndrome. Last evaluated: 2025-11-17. Review status: criteria provided, single submitter. Criteria: Invitae Variant Classification Sherloc (09022015). Collection method: clinical testing. Allele origin: germline.

Myriad Genetics, Inc.
Classification: Benign for Familial cancer of breast. Last evaluated: 2024-06-24. Review status: criteria provided, single submitter. Criteria: Myriad Autosomal Dominant, Autosomal Recessive and X-Linked Classification Criteria (2023). Collection method: clinical testing. Allele origin: unknown.
Comment: This variant is considered benign. This variant is a silent/synonymous amino acid change and it is not expected to impact splicing.

Ambry Genetics
Classification: Likely benign for Hereditary cancer-predisposing syndrome. Last evaluated: 2019-12-06. Review status: criteria provided, single submitter. Criteria: Ambry Variant Classification Scheme 2023. Collection method: clinical testing. Allele origin: germline.

Color Diagnostics, LLC DBA Color Health
Classification: Likely benign for Hereditary cancer-predisposing syndrome. Last evaluated: 2019-10-11. Review status: criteria provided, single submitter. Criteria: ACMG Guidelines, 2015. Collection method: clinical testing. Allele origin: germline.

PreventionGenetics, part of Exact Sciences
Classification: Likely benign for ATM-related condition. Last evaluated: 2023-12-15. Review status: no assertion criteria provided. Collection method: clinical testing. Allele origin: germline. Not counted in ClinVar's aggregate classification.
Comment: This variant is classified as likely benign based on ACMG/AMP sequence variant interpretation guidelines (Richards et al. 2015 PMID: 25741868, with internal and published modifications).

NM_000051.4(ATM):c.9100T>C (p.Leu3034=)

Genes: ATM (ATM serine/threonine kinase; plus strand), C11orf65 (chromosome 11 open reading frame 65; minus strand). Cytogenetic location: 11q22.3.
Variant type: single nucleotide variant.
Coding change: c.9100T>C on transcript NM_000051.4 (MANE Select); coding-DNA position 9100, T replaced by C.
Protein change: p.Leu3034=; no amino-acid change (leucine 3034 retained).
Molecular consequence: synonymous variant. On other transcripts: intron variant (2).
Genome position (GRCh38, 1-based): chr11:108,365,437, T>C. VCF-style: chr11-108365437-T-C. GRCh37 (hg19) VCF-style: chr11-108236164-T-C.
Other names: c.9100T>C, p.Leu3034= (NM_001351834.2); c.640+20483A>G (NM_001330368.2); c.694+20483A>G (NM_001351110.2).
Identifiers: ClinVar variation 928273 (VCV000928273.16), dbSNP rs2091251592, ClinGen allele CA476745245.